The following is an entry in ClinVar:

NM_001498.4(GCLC):c.1791G>A (p.Met597Ile)

Genes: GCLC (glutamate-cysteine ligase catalytic subunit; minus strand), GCLC-AS1 (GCLC antisense RNA 1; plus strand). Cytogenetic location: 6p12.1.
Variant type: single nucleotide variant.
Coding change: c.1791G>A on transcript NM_001498.4 (MANE Select); coding-DNA position 1791, G replaced by A.
Protein change: p.Met597Ile; replaces methionine 597 with isoleucine.
Molecular consequence: missense variant.
Genome position (GRCh38, 1-based): chr6:53,498,879, C>T on the plus strand (G>A on the coding strand, the complement: GCLC is on the minus strand). VCF-style: chr6-53498879-C-T. GRCh37 (hg19) VCF-style: chr6-53363677-C-T.
Other names: c.1677G>A, p.Met559Ile (NM_001197115.2); short protein forms M559I, M597I.
Identifiers: ClinVar variation 3390083 (VCV003390083.14).

ClinVar aggregate classification (germline): Uncertain significance (1 of 4 stars; one submission).

Submission:

CeGaT Center for Human Genetics Tuebingen
Classification: Uncertain significance. Last evaluated: 2024-11-01. Review status: criteria provided, single submitter. Criteria: CeGaT Center For Human Genetics Tuebingen Variant Classification Criteria Version 2. Collection method: clinical testing. Allele origin: germline. Affected: yes. Observed: 1 variant allele.
Comment: GCLC: PM2